The following is an entry in ClinVar:

ClinVar aggregate classification (germline): Conflicting classifications of pathogenicity. Review status: criteria provided, conflicting classifications (1 of 4 stars). 12 submissions from 12 submitters: Uncertain significance (9); Likely benign (3). Last evaluated 2026-01-07.

Conditions:
PMS2-related disorder. Also called: PMS2-related condition.
Hereditary nonpolyposis colorectal neoplasms. Identifiers: MedGen C0009405, MeSH D003123.
Hereditary cancer-predisposing syndrome. Also called: Hereditary Cancer Syndrome; Tumor predisposition; Hereditary neoplastic syndrome; Neoplastic Syndromes, Hereditary. Identifiers: Orphanet 140162, MedGen C0027672, MeSH D009386, MONDO:0015356.
Lynch syndrome. Identifiers: Orphanet 144, MedGen C4552100, MONDO:0005835. Disease mechanism: loss of function.
Lynch syndrome 4 (LYNCH4). Also called: Colorectal cancer, hereditary nonpolyposis, type 4; Hereditary non-polyposis colorectal cancer, type 4. Identifiers: Orphanet 144, MedGen C1838333, MONDO:0013699, OMIM 614337. Disease mechanism: loss of function.

Allele frequency attached by ClinVar (database versions not stated): gnomAD 0.00001; gnomAD exomes 0.00001; TOPMed 0.00002.
gnomAD v4.1: 13 of 1,614,022 alleles (0.00081%); highest among the groups gnomAD compares: Non-Finnish European, 0.0011%; no homozygotes.

Submissions (12):

Labcorp Genetics (formerly Invitae), Labcorp
Classification: Uncertain significance for Hereditary nonpolyposis colorectal neoplasms. Last evaluated: 2026-01-07. Review status: criteria provided, single submitter. Criteria: Invitae Variant Classification Sherloc (09022015). Collection method: clinical testing. Allele origin: germline.
Comment: This sequence change replaces aspartic acid, which is acidic and polar, with histidine, which is basic and polar, at codon 589 of the PMS2 protein (p.Asp589His). This variant is present in population databases (rs749727182, gnomAD 0.003%). This missense change has been observed in individual(s) with breast cancer (PMID: 31882575). ClinVar contains an entry for this variant (Variation ID: 418854). Invitae Evidence Modeling of protein sequence and biophysical properties (such as structural, functional, and spatial information, amino acid conservation, physicochemical variation, residue mobility, and thermodynamic stability) indicates that this missense variant is not expected to disrupt PMS2 protein function with a negative predictive value of 80%. In summary, the available evidence is currently insufficient to determine the role of this variant in disease. Therefore, it has been classified as a Variant of Uncertain Significance.

Ambry Genetics
Classification: Likely benign for Hereditary cancer-predisposing syndrome. Last evaluated: 2025-06-09. Review status: criteria provided, single submitter. Criteria: Ambry Variant Classification Scheme 2023. Collection method: clinical testing. Allele origin: germline.

PreventionGenetics, part of Exact Sciences
Classification: Uncertain significance for PMS2-related condition. Last evaluated: 2025-05-19. Review status: criteria provided, single submitter. Criteria: ACMG Guidelines, 2015. Collection method: clinical testing. Allele origin: germline.
Comment: The PMS2 c.1765G>C variant is predicted to result in the amino acid substitution p.Asp589His. This variant has been reported in an individual with breast cancer (Jarhelle et al. 2019. PubMed ID: 31882575). This variant is reported in 0.0029% of alleles in individuals of Latino descent in gnomAD and has conflicting interpretations regarding its pathogenicity in ClinVar, ranging from likely benign to uncertain. At this time, the clinical significance of this variant is uncertain due to the absence of conclusive functional and genetic evidence.

Center for Genomic Medicine, Rigshospitalet, Copenhagen University Hospital
Classification: Uncertain significance. Last evaluated: 2025-03-04. Review status: criteria provided, single submitter. Criteria: ACMG Guidelines, 2015. Collection method: clinical testing. Allele origin: germline.

Blueprint Genetics
Classification: Uncertain significance. Last evaluated: 2024-05-06. Review status: criteria provided, single submitter. Criteria: ACMG Guidelines, 2015. Collection method: clinical testing. Allele origin: germline.

Baylor Genetics
Classification: Uncertain significance for Lynch syndrome 4. Last evaluated: 2023-10-04. Review status: criteria provided, single submitter. Criteria: ACMG Guidelines, 2015. Collection method: clinical testing. Allele origin: unknown.

Department of Pathology and Laboratory Medicine, Sinai Health System
Classification: Uncertain significance for Lynch syndrome. Last evaluated: 2023-08-28. Review status: criteria provided, single submitter. Criteria: ACMG Guidelines, 2015. Collection method: clinical testing. Allele origin: germline. Affected: yes.

All of Us Research Program, National Institutes of Health
Classification: Likely benign for Lynch syndrome. Last evaluated: 2023-07-10. Review status: criteria provided, single submitter. Criteria: ACMG Guidelines, 2015. Collection method: clinical testing. Allele origin: germline. Inheritance: Autosomal dominant inheritance. Observed: 5 variant alleles, 5 heterozygotes.
Comment: This study involves interpretation of variants in research participants for the purpose of population health screening. Participant phenotype was not available at the time of variant classification. Additional details can be found in publication PMID: 35346344, PMCID: PMC8962531

GeneDx
Classification: Uncertain significance. Last evaluated: 2022-12-16. Review status: criteria provided, single submitter. Criteria: GeneDx Variant Classification Process June 2021. Collection method: clinical testing. Allele origin: germline. Affected: yes.
Comment: Not observed at significant frequency in large population cohorts (gnomAD); In silico analysis supports that this missense variant does not alter protein structure/function; Observed in an individual with breast cancer (Jarhelle et al., 2019); This variant is associated with the following publications: (PMID: 31882575)

Quest Diagnostics Nichols Institute San Juan Capistrano
Classification: Uncertain significance. Last evaluated: 2021-03-31. Review status: criteria provided, single submitter. Criteria: Quest Diagnostics criteria. Collection method: clinical testing. Allele origin: unknown.

Genetic Services Laboratory, University of Chicago
Classification: Uncertain significance. Last evaluated: 2020-08-12. Review status: criteria provided, single submitter. Criteria: ACMG Guidelines, 2015. Collection method: clinical testing. Allele origin: germline. Affected: no.
Comment: DNA sequence analysis of the PMS2 gene demonstrated a sequence change, c.1765G>C, in exon 11 that results in an amino acid change, p.Asp589His. This sequence change does not appear to have been previously described in patients with PMS2-related disorders and has been described in the gnomAD database in two individuals with a low overall population frequency of 0.0008% (dbSNP rs749727182). The p.Asp589His change affects a poorly conserved amino acid residue located in a domain of the PMS2 protein that is not known to be functional. The pathogenicity of the p.Asp589His substitution appears to be contradictory using several in-silico pathogenicity prediction tools (SIFT, PolyPhen2, Align GVGD, REVEL). Due to these contrasting evidences and the lack of functional studies, the clinical significance of the p.Asp589His change remains unknown at this time.

Color Diagnostics, LLC DBA Color Health
Classification: Likely benign for Hereditary cancer-predisposing syndrome. Last evaluated: 2016-03-03. Review status: criteria provided, single submitter. Criteria: ACMG Guidelines, 2015. Collection method: clinical testing. Allele origin: germline.

Literature cited by the submitters: PubMed 31882575 (cited by 3 submitters).

NM_000535.7(PMS2):c.1765G>C (p.Asp589His)

Gene: PMS2 (PMS1 homolog 2, mismatch repair system component; minus strand). Cytogenetic location: 7p22.1.
Variant type: single nucleotide variant.
Coding change: c.1765G>C on transcript NM_000535.7 (MANE Select); coding-DNA position 1765, G replaced by C.
Protein change: p.Asp589His; replaces aspartic acid 589 with histidine.
Molecular consequence: missense variant. On other transcripts: non-coding transcript variant (1).
Genome position (GRCh38, 1-based): chr7:5,987,000, C>G on the plus strand (G>C on the coding strand, the complement: PMS2 is on the minus strand). VCF-style: chr7-5987000-C-G. GRCh37 (hg19) VCF-style: chr7-6026631-C-G.
Other names: c.1360G>C, p.Asp454His (NM_001322003.2, NM_001322004.2, NM_001322005.2 and 1 more transcripts); c.1609G>C, p.Asp537His (NM_001322006.2); c.1447G>C, p.Asp483His (NM_001322007.2, NM_001322008.2); c.1204G>C, p.Asp402His (NM_001322010.2); c.832G>C, p.Asp278His (NM_001322011.2, NM_001322012.2); c.1192G>C, p.Asp398His (NM_001322013.2); c.1765G>C, p.Asp589His (NM_001322014.2); c.1456G>C, p.Asp486His (NM_001322015.2); short protein forms D589H, D454H, D402H, D278H, D486H, D537H, D398H, D483H.
Identifiers: ClinVar variation 418854 (VCV000418854.31), dbSNP rs749727182, ClinGen allele CA16618498.